The following is an entry in ClinVar:

NM_001005242.3(PKP2):c.2108del (p.Lys703fs)

Gene: PKP2 (plakophilin 2; minus strand). Cytogenetic location: 12p11.21.
Variant type: Deletion.
Coding change: c.2108del on transcript NM_001005242.3 (MANE Select); coding-DNA position 2108, one base deleted (A; older notation c.2108delA).
Protein change: p.Lys703fs; shifts the reading frame from lysine 703.
Molecular consequence: frameshift variant.
Genome position (GRCh38, 1-based): chr12:32,802,462, T deleted on the plus strand (A on the coding strand, the reverse complement: PKP2 is on the minus strand); the first of 5 consecutive T bases (chr12:32,802,462-32,802,466); deleting any one gives the same sequence. VCF-style (leftmost placement, unchanged base first): chr12-32802461-CT-C. GRCh37 (hg19) VCF-style: chr12-32955395-CT-C.
Other names: c.2240delA (NM_004572.3); c.2240del, p.Lys747fs (NM_004572.4); short protein forms K747fs, K703fs.
Identifiers: ClinVar variation 635228 (VCV000635228.5), dbSNP rs1565574709, ClinGen allele CA645581108.

ClinVar aggregate classification (germline): Pathogenic/Likely pathogenic. Review status: criteria provided, multiple submitters, no conflicts (2 of 4 stars). 4 submissions from 4 submitters: Pathogenic (2); Likely pathogenic (2). Last evaluated 2025-12-10.

Conditions:
Arrhythmogenic right ventricular cardiomyopathy (ARVD). Also called: Arrhythmogenic Right Ventricular Cardiomyopathy (ARVC); Cardiomyopathy, ARVC; Arrhythmogenic right ventricular dysplasia; Arrhythmogenic cardiomyopathy. Identifiers: Orphanet 247, MedGen C0349788, MeSH D019571, MONDO:0016587. Disease mechanism: loss of function. Inheritance: Various modes of inheritance.
Cardiovascular phenotype. Identifiers: MedGen CN230736.
Arrhythmogenic right ventricular dysplasia 9 (ARVD9). Also called: Arrhythmogenic Right Ventricular Dysplasia/Cardiomyopathy 9; ARRHYTHMOGENIC RIGHT VENTRICULAR DYSPLASIA, FAMILIAL, 9. Identifiers: MedGen C1836906, MONDO:0012180, OMIM 609040.

Submissions (4):

Labcorp Genetics (formerly Invitae), Labcorp
Classification: Pathogenic for Arrhythmogenic right ventricular dysplasia 9. Last evaluated: 2025-12-10. Review status: criteria provided, single submitter. Criteria: Invitae Variant Classification Sherloc (09022015). Collection method: clinical testing. Allele origin: germline.
Comment: This sequence change creates a premature translational stop signal (p.Lys747Argfs*7) in the PKP2 gene. It is expected to result in an absent or disrupted protein product. Loss-of-function variants in PKP2 are known to be pathogenic (PMID: 15489853, 17041889, 23911551). This variant is not present in population databases (gnomAD no frequency). This premature translational stop signal has been observed in individual(s) with arrhythmogenic right ventricular cardiomyopathy (PMID: 24125834). ClinVar contains an entry for this variant (Variation ID: 635228). For these reasons, this variant has been classified as Pathogenic.

Ambry Genetics
Classification: Pathogenic for Cardiovascular phenotype. Last evaluated: 2025-10-06. Review status: criteria provided, single submitter. Criteria: Ambry Variant Classification Scheme 2023. Collection method: clinical testing. Allele origin: germline.
Comment: The c.2240delA pathogenic mutation, located in coding exon 11 of the PKP2 gene, results from a deletion of one nucleotide at nucleotide position 2240, causing a translational frameshift with a predicted alternate stop codon (p.K747Rfs*7). This variant was reported in individual(s) with features consistent with arrhythmogenic right ventricular cardiomyopathy (ARVC) (Bao J et al. Circ Cardiovasc Genet, 2013 Dec;6:552-6). This variant is considered to be rare based on population cohorts in the Genome Aggregation Database (gnomAD). This alteration is expected to result in loss of function by premature protein truncation or nonsense-mediated mRNA decay. As such, this alteration is interpreted as a disease-causing mutation.

Stanford Center for Inherited Cardiovascular Disease, Stanford University
Classification: Likely pathogenic. Last evaluated: 2016-11-16. Review status: criteria provided, single submitter. Criteria: ACMG Guidelines, 2015. Collection method: provider interpretation. Allele origin: germline.

Laboratory for Molecular Medicine, Mass General Brigham Personalized Medicine
Classification: Likely pathogenic for Arrhythmogenic right ventricular cardiomyopathy. Last evaluated: 2016-03-05. Review status: criteria provided, single submitter. Criteria: ACMG Guidelines, 2015. Collection method: clinical testing. Allele origin: germline. Inheritance: Autosomal dominant inheritance.
Comment: It was absent from large population studies, though the ability of these studies to accurately detect indels may be limited. This variant is predicted to cause a frameshift, which alters the protein’s amino acid sequence beginning at position 747 and leads to a premature termination codon 7 amino acids downstream. This alteration is then predicted to lead to a truncated or absent protein. Heterozygous loss of function of the PKP2 gene is an established disease mechanism in individuals with ARVC. In summary, although additional studies are required to fully establish its clinical significance, the p.Lys747fs variant is likely pathogenic.

Literature cited by the submitters: PubMed 15489853 (cited by Labcorp Genetics (formerly Invitae), Labcorp); PubMed 17041889 (cited by Labcorp Genetics (formerly Invitae), Labcorp); PubMed 23911551 (cited by Labcorp Genetics (formerly Invitae), Labcorp); PubMed 24125834 (cited by 3 submitters).